The following is an entry in ClinVar:

NM_001298.3(CNGA3):c.640T>C (p.Tyr214His)

Gene: CNGA3 (cyclic nucleotide gated channel subunit alpha 3; plus strand). Cytogenetic location: 2q11.2.
Variant type: single nucleotide variant.
Coding change: c.640T>C on transcript NM_001298.3 (MANE Select); coding-DNA position 640, T replaced by C.
Protein change: p.Tyr214His; replaces tyrosine 214 with histidine.
Molecular consequence: missense variant.
Genome position (GRCh38, 1-based): chr2:98,391,937, T>C. VCF-style: chr2-98391937-T-C. GRCh37 (hg19) VCF-style: chr2-99008400-T-C.
Other names: c.586T>C, p.Tyr196His (NM_001079878.2); short protein forms Y196H, Y214H.
Identifiers: ClinVar variation 1952826 (VCV001952826.5), dbSNP rs2467017756, ClinGen allele CA347831824.
Genomic context (GRCh38, chr2:98,391,937, plus strand): 5'-GAGCTGCAGTCCGAGTACCTGATGCTGTGGCTGGTCCTGGACTACTCGGCAGATGTCCTG[T>C]ATGTCTTGGATGTGCTTGTACGAGCTCGGACAGGTGAGTGTGCCCCAGGCCTGGGGAGGG-3'
Protein context (NP_001289.1, residues 204-224): LVLDYSADVL[Tyr214His]VLDVLVRART

ClinVar aggregate classification (germline): Uncertain significance (1 of 4 stars; one submission).

Submission:

Labcorp Genetics (formerly Invitae), Labcorp
Classification: Uncertain significance. Last evaluated: 2022-08-23. Review status: criteria provided, single submitter. Criteria: Invitae Variant Classification Sherloc (09022015). Collection method: clinical testing. Allele origin: germline.
Comment: This sequence change replaces tyrosine, which is neutral and polar, with histidine, which is basic and polar, at codon 214 of the CNGA3 protein (p.Tyr214His). This variant is not present in population databases (gnomAD no frequency). This variant has not been reported in the literature in individuals affected with CNGA3-related conditions. Advanced modeling of protein sequence and biophysical properties (such as structural, functional, and spatial information, amino acid conservation, physicochemical variation, residue mobility, and thermodynamic stability) performed at Invitae indicates that this missense variant is expected to disrupt CNGA3 protein function. In summary, the available evidence is currently insufficient to determine the role of this variant in disease. Therefore, it has been classified as a Variant of Uncertain Significance.